The following is an entry in ClinVar:

ClinVar aggregate classification (germline): Uncertain significance (1 of 4 stars; one submission).

Conditions:
Hereditary cancer-predisposing syndrome. Also called: Tumor predisposition; Neoplastic Syndromes, Hereditary; Hereditary Cancer Syndrome; Hereditary neoplastic syndrome. Identifiers: Orphanet 140162, MedGen C0027672, MeSH D009386, MONDO:0015356.

Allele frequency attached by ClinVar (database versions not stated): gnomAD exomes below 0.00001.

Submission:

Ambry Genetics
Classification: Uncertain significance for Hereditary cancer-predisposing syndrome. Last evaluated: 2026-02-17. Review status: criteria provided, single submitter. Criteria: Ambry Variant Classification Scheme 2023. Collection method: clinical testing. Allele origin: germline.
Comment: The c.1120-1G>A intronic variant results from a G to A substitution one nucleotide upstream from coding exon 11 of the TSC2 gene. Variants that disrupt the canonical splice site are expected to result in aberrant splicing. In silico splice site analysis predicts that this alteration will weaken the native splice acceptor site and will result in the creation or strengthening of a novel splice acceptor site. A resulting transcript is predicted to be in-frame and is not expected to trigger nonsense-mediated mRNAdecay; although, direct evidence is unavailable. This nucleotide position is highly conserved in available vertebrate species. Based on the available evidence, the clinical significance of this variant remains unclear.

NM_000548.5(TSC2):c.1120-1G>A

Gene: TSC2 (TSC complex subunit 2; plus strand). Cytogenetic location: 16p13.3.
Variant type: single nucleotide variant.
Coding change: c.1120-1G>A on transcript NM_000548.5 (MANE Select); the canonical splice acceptor site of the intron before coding-DNA position 1120, G replaced by A.
Molecular consequence: splice acceptor variant.
Genome position (GRCh38, 1-based): chr16:2,061,870, G>A. VCF-style: chr16-2061870-G-A. GRCh37 (hg19) VCF-style: chr16-2111871-G-A.
Other names: c.520-1G>A (NM_001318831.2, NM_001406688.1, NM_001406686.1 and 6 more transcripts); c.1063-1G>A (NM_001406677.1); c.973-1G>A (NM_001406675.1, NM_001406676.1, NM_001318829.2 and 1 more transcripts); c.1153-1G>A (NM_001318832.2); c.-225-1G>A (NM_001406693.1, NM_001406689.1, NM_001406690.1 and 4 more transcripts); c.1210-1G>A (NM_001406667.1, NM_001406668.1); c.-401-1G>A (NM_001406698.1); c.1120-1G>A (NM_001114382.3, NM_001406663.1, NM_001406664.1 and 6 more transcripts); and 4 more.
Identifiers: ClinVar variation 818377 (VCV000818377.5), dbSNP rs1596303216, ClinGen allele CA394319702.
Genomic context (GRCh38, chr16:2,061,870, plus strand): 5'-CTGGTGCCAAGTCCATGTGGGGAGTGGAAGTCAGCCTGTGTCATCGTGCCTGGTACTGCA[G>A]ACCTTGGACAGCCCGGAGCTCAGGACCATCGTCCATGACCTGTTGACCACGGTGGAGGAG-3'